The following is an entry in ClinVar:

ClinVar aggregate classification (germline): Uncertain significance (1 of 4 stars; one submission).

Submission:

Ambry Genetics
Classification: Uncertain significance. Last evaluated: 2023-05-25. Review status: criteria provided, single submitter. Criteria: Ambry Variant Classification Scheme 2023. Collection method: clinical testing. Allele origin: germline.
Comment: The p.I229T variant (also known as c.686T>C), located in coding exon 8 of the NPAT gene, results from a T to C substitution at nucleotide position 686. The isoleucine at codon 229 is replaced by threonine, an amino acid with similar properties. This amino acid position is conserved. In addition, this alteration is predicted to be tolerated by in silico analysis. Since supporting evidence is limited at this time, the clinical significance of this alteration remains unclear.

NM_002519.3(NPAT):c.686T>C (p.Ile229Thr)

Gene: NPAT (nuclear protein, coactivator of histone transcription; minus strand). Cytogenetic location: 11q22.3.
Variant type: single nucleotide variant.
Coding change: c.686T>C on transcript NM_002519.3 (MANE Select); coding-DNA position 686, T replaced by C.
Protein change: p.Ile229Thr; replaces isoleucine 229 with threonine.
Molecular consequence: missense variant.
Genome position (GRCh38, 1-based): chr11:108,186,522, A>G on the plus strand (T>C on the coding strand, the complement: NPAT is on the minus strand). VCF-style: chr11-108186522-A-G. GRCh37 (hg19) VCF-style: chr11-108057249-A-G.
Other names: c.686T>C, p.Ile229Thr (NM_001321307.1); short protein forms I229T.
Identifiers: ClinVar variation 2568014 (VCV002568014.2), dbSNP rs1349735051, ClinGen allele CA382522328.
Genomic context (GRCh38, chr11:108,186,522, plus strand): 5'-AGTTTGGCAGAGTCACTTACTTTTTCTACTGCAAAAGCGTTTGGATCTTGGAAATTCCGT[A>G]TTGTTGAATGAGGGCCAGACAAAGTGGTACTTTTTCTCTGAGATTCACTGAAACACATTT-3'
Protein context (NP_002510.2, residues 219-239): STTLSGPHST[Ile229Thr]RNFQDPNAFA